The following is an entry in ClinVar:

NM_000497.4(CYP11B1):c.994C>T (p.Arg332Trp)

Genes: CYP11B1 (cytochrome P450 family 11 subfamily B member 1; minus strand), LOC106799833 (CYP11B1 recombination region; plus strand). Cytogenetic location: 8q24.3.
Variant type: single nucleotide variant.
Coding change: c.994C>T on transcript NM_000497.4 (MANE Select); coding-DNA position 994, C replaced by T.
Protein change: p.Arg332Trp; replaces arginine 332 with tryptophan.
Molecular consequence: missense variant.
Genome position (GRCh38, 1-based): chr8:142,875,839, G>A on the plus strand (C>T on the coding strand, the complement: CYP11B1 is on the minus strand). VCF-style: chr8-142875839-G-A. GRCh37 (hg19) VCF-style: chr8-143957255-G-A.
Other names: c.994C>T, p.Arg332Trp (NM_001026213.1); short protein forms R332W.
Identifiers: ClinVar variation 2195750 (VCV002195750.5), dbSNP rs777626314, ClinGen allele CA4905184.
Genomic context (GRCh38, chr8:142,875,839, plus strand): 5'-TGATGCTGGCTGCGGCGGCCAGGCTCTCCTGGCGCAGGGCCTGCTGCACGTTGGGGTTCC[G>A]AGCCAGCTCAAAGAGCGTCATCAGCAAGGGAAACACCGTCTGCAGGAGACACAGCTGCAG-3'
Protein context (NP_000488.3, residues 322-342): PLLMTLFELA[Arg332Trp]NPNVQQALRQ

ClinVar aggregate classification (germline): Likely pathogenic. Review status: criteria provided, multiple submitters, no conflicts (2 of 4 stars). 2 submissions from 2 submitters: Likely pathogenic (2). Last evaluated 2024-03-26.

Conditions:
Deficiency of steroid 11-beta-monooxygenase (CYP11B1). Also called: STEROID 11-BETA-HYDROXYLASE DEFICIENCY; ADRENAL HYPERPLASIA IV; Congenital adrenal hyperplasia due to 11-beta-hydroxylase deficiency; ADRENAL HYPERPLASIA, CONGENITAL, DUE TO STEROID 11-BETA-HYDROXYLASE DEFICIENCY; 11-BETA-HYDROXYLASE DEFICIENCY; P450C11B1 DEFICIENCY. Identifiers: Orphanet 90795, MedGen C0268292, MONDO:0008729, OMIM 202010. Disease mechanism: loss of function.
Glucocorticoid-remediable aldosteronism. Also called: FH I; GLUCOCORTICOID-SUPPRESSIBLE HYPERALDOSTERONISM; Hyperaldosteronism, familial, type I; ACTH-DEPENDENT HYPERALDOSTERONISM SYNDROME; ALDOSTERONISM, SENSITIVE TO DEXAMETHASONE. Identifiers: Orphanet 403, MedGen C3838731, MONDO:0007080, OMIM 103900.

Allele frequency attached by ClinVar (database versions not stated): gnomAD exomes below 0.00001; TOPMed below 0.00001; ExAC 0.00001.
gnomAD v4.1: 7 of 1,614,104 alleles (0.00043%); highest among the groups gnomAD compares: Non-Finnish European, 0.00059%; no homozygotes.

Submissions (2):

Fulgent Genetics
Classification: Likely pathogenic for Glucocorticoid-remediable aldosteronism; Deficiency of steroid 11-beta-monooxygenase. Last evaluated: 2024-03-26. Review status: criteria provided, single submitter. Criteria: ACMG Guidelines, 2015. Collection method: clinical testing. Allele origin: germline.

Labcorp Genetics (formerly Invitae), Labcorp
Classification: Likely pathogenic. Last evaluated: 2024-01-08. Review status: criteria provided, single submitter. Criteria: Invitae Variant Classification Sherloc (09022015). Collection method: clinical testing. Allele origin: germline.
Comment: This sequence change replaces arginine, which is basic and polar, with tryptophan, which is neutral and slightly polar, at codon 332 of the CYP11B1 protein (p.Arg332Trp). This variant is present in population databases (rs777626314, gnomAD 0.0009%). This variant has not been reported in the literature in individuals affected with CYP11B1-related conditions. ClinVar contains an entry for this variant (Variation ID: 2195750). Advanced modeling of protein sequence and biophysical properties (such as structural, functional, and spatial information, amino acid conservation, physicochemical variation, residue mobility, and thermodynamic stability) performed at Invitae indicates that this missense variant is expected to disrupt CYP11B1 protein function with a positive predictive value of 95%. This variant disrupts the p.Arg332 amino acid residue in CYP11B1. Other variant(s) that disrupt this residue have been determined to be pathogenic (PMID: 24022297; Invitae). This suggests that this residue is clinically significant, and that variants that disrupt this residue are likely to be disease-causing. In summary, the currently available evidence indicates that the variant is pathogenic, but additional data are needed to prove that conclusively. Therefore, this variant has been classified as Likely Pathogenic.

Literature cited by the submitters: PubMed 24022297 (cited by Labcorp Genetics (formerly Invitae), Labcorp).